The following is an entry in ClinVar:

ClinVar aggregate classification (germline): Pathogenic/Likely pathogenic. Review status: criteria provided, multiple submitters, no conflicts (2 of 4 stars). 2 submissions from 2 submitters: Pathogenic (1); Likely pathogenic (1). Last evaluated 2023-12-21.

Conditions:
Primary familial dilated cardiomyopathy (FDC). Also called: Hypokinetic dilated cardiomyopathy, familial; Familial dilated cardiomyopathy. Identifiers: Orphanet 217607, MedGen C0340427, MONDO:0016333.
Autosomal recessive limb-girdle muscular dystrophy type 2J (LGMDR10). Also called: MUSCULAR DYSTROPHY, LIMB-GIRDLE, AUTOSOMAL RECESSIVE 10; Limb-girdle muscular dystrophy, type 2J. Identifiers: Orphanet 140922, MedGen C1837342, MONDO:0012127, OMIM 608807.
Dilated cardiomyopathy 1G (CMD1G). Identifiers: Orphanet 154, MedGen C1858763, MONDO:0011400, OMIM 604145.

Submissions (2):

Labcorp Genetics (formerly Invitae), Labcorp
Classification: Likely pathogenic for Dilated cardiomyopathy 1G; Autosomal recessive limb-girdle muscular dystrophy type 2J. Last evaluated: 2023-12-21. Review status: criteria provided, single submitter. Criteria: Invitae Variant Classification Sherloc (09022015). Collection method: clinical testing. Allele origin: germline.
Comment: This sequence change creates a premature translational stop signal (p.Asp33292Thrfs*8) in the TTN gene. While this is not anticipated to result in nonsense mediated decay, it is expected to create a truncated TTN protein. This variant is not present in population databases (gnomAD no frequency). This variant has not been reported in the literature in individuals affected with TTN-related conditions. ClinVar contains an entry for this variant (Variation ID: 2506085). This variant is located in the A band of TTN (PMID: 25589632). Truncating variants in this region are significantly overrepresented in patients affected with dilated cardiomyopathy (PMID: 25589632). Truncating variants in this region have also been reported in individuals affected with autosomal recessive centronuclear myopathy (PMID: 23975875). In summary, the currently available evidence indicates that the variant is pathogenic, but additional data are needed to prove that conclusively. Therefore, this variant has been classified as Likely Pathogenic.

Women's Health and Genetics/Laboratory Corporation of America, LabCorp
Classification: Pathogenic for Primary familial dilated cardiomyopathy. Last evaluated: 2023-05-23. Review status: criteria provided, single submitter. Criteria: LabCorp Variant Classification Summary - May 2015. Collection method: clinical testing. Allele origin: germline.
Comment: Variant summary: TTN c.92170delG (p.Asp30724ThrfsX8) results in a premature termination codon, predicted to cause absence of the protein due to nonsense mediated decay, which are commonly known mechanisms for disease. The variant was absent in 239476 control chromosomes. To our knowledge, no occurrence of c.92170delG in individuals affected with Dilated Cardiomyopathy and no experimental evidence demonstrating its impact on protein function have been reported. No clinical diagnostic laboratories have submitted clinical-significance assessments for this variant to ClinVar after 2014. Frameshift and other truncating variants in TTN are strongly associated with DCM if they are located in the exons encoding for the A-band (PMID: 22335739, PMID: 24503780). Based on the evidence outlined above, the variant was classified as pathogenic.

Literature cited by the submitters: PubMed 25589632 (cited by Labcorp Genetics (formerly Invitae), Labcorp); PubMed 23975875 (cited by Labcorp Genetics (formerly Invitae), Labcorp).

NM_001267550.2(TTN):c.99874del (p.Asp33292fs)

Genes: TTN (titin; minus strand), TTN-AS1 (TTN antisense RNA 1; plus strand), LOC126806420 (BRD4-independent group 4 enhancer GRCh37_chr2:179401104-179402303; plus strand). Cytogenetic location: 2q31.2.
Variant type: Deletion.
Coding change: c.99874del on transcript NM_001267550.2 (MANE Select); coding-DNA position 99874, one base deleted (G; older notation c.99874delG).
Protein change: p.Asp33292fs; shifts the reading frame from aspartic acid 33292.
Molecular consequence: frameshift variant.
Genome position (GRCh38, 1-based): chr2:178,537,235, C deleted on the plus strand (G on the coding strand, the reverse complement: TTN is on the minus strand). VCF-style (leftmost placement, unchanged base first): chr2-178537234-TC-T. GRCh37 (hg19) VCF-style: chr2-179401961-TC-T.
Other names: c.92170delG (NM_133378.4); c.94951del, p.Asp31651fs (NM_001256850.1); c.72679del, p.Asp24227fs (NM_003319.4); c.92170del, p.Asp30724fs (NM_133378.4); c.73054del, p.Asp24352fs (NM_133432.3); c.73255del, p.Asp24419fs (NM_133437.4); short protein forms D24227fs, D24352fs, D24419fs, D30724fs, D31651fs, D33292fs.
Identifiers: ClinVar variation 2506085 (VCV002506085.4), dbSNP rs2468661992, ClinGen allele CA2580614422.
Genomic context (GRCh38, chr2:178,537,234, plus strand): 5'-CAGCTGATCACTGCGGAGTTCTTCAATAGAGCTTCGATCACAATTGGTCCTGTAGGTTTG[TC>T]TGGTTTATCTGTTGGGGGAAAATACAATTGTGGTGGTTTTCATAGTGTGTTTTTGAGATT-3'